The following is an entry in ClinVar:

ClinVar aggregate classification (germline): Uncertain significance (1 of 4 stars; one submission).

Conditions:
Nephronophthisis 18 (NPHP18). Identifiers: Orphanet 655, MedGen C3890591, MONDO:0014374, OMIM 615862.

Submission:

Labcorp Genetics (formerly Invitae), Labcorp
Classification: Uncertain significance for Nephronophthisis 18. Last evaluated: 2021-11-23. Review status: criteria provided, single submitter. Criteria: Invitae Variant Classification Sherloc (09022015). Collection method: clinical testing. Allele origin: germline.
Comment: This sequence change replaces lysine, which is basic and polar, with threonine, which is neutral and polar, at codon 166 of the CEP83 protein (p.Lys166Thr). This variant is not present in population databases (gnomAD no frequency). This variant has not been reported in the literature in individuals affected with CEP83-related conditions. Algorithms developed to predict the effect of missense changes on protein structure and function are either unavailable or do not agree on the potential impact of this missense change (SIFT: "Not Available"; PolyPhen-2: "Probably Damaging"; Align-GVGD: "Not Available"). In summary, the available evidence is currently insufficient to determine the role of this variant in disease. Therefore, it has been classified as a Variant of Uncertain Significance.

NM_016122.3(CEP83):c.497A>C (p.Lys166Thr)

Gene: CEP83 (centrosomal protein 83; minus strand). Cytogenetic location: 12q22.
Variant type: single nucleotide variant.
Coding change: c.497A>C on transcript NM_016122.3 (MANE Select); coding-DNA position 497, A replaced by C.
Protein change: p.Lys166Thr; replaces lysine 166 with threonine.
Molecular consequence: missense variant. On other transcripts: non-coding transcript variant (3), intron variant (2).
Genome position (GRCh38, 1-based): chr12:94,400,902, T>G on the plus strand (A>C on the coding strand, the complement: CEP83 is on the minus strand). VCF-style: chr12-94400902-T-G. GRCh37 (hg19) VCF-style: chr12-94794678-T-G.
Other names: c.497A>C, p.Lys166Thr (NM_001042399.2, NM_001346457.2, NM_001346460.2 and 3 more transcripts); c.185A>C, p.Lys62Thr (NM_001346458.2, NM_001346459.2, NM_001346462.2 and 2 more transcripts); c.324+10795A>C (NM_001368041.1); c.12+10795A>C (NM_001368042.1); short protein forms K62T, K166T.
Identifiers: ClinVar variation 1353121 (VCV001353121.6), dbSNP rs2137575785, ClinGen allele CA386143062.